The following is an entry in ClinVar:

ClinVar aggregate classification (germline): Conflicting classifications of pathogenicity. Review status: criteria provided, conflicting classifications (1 of 4 stars). 11 submissions from 11 submitters: Uncertain significance (7); Likely benign (1). 3 of the submissions do not count toward it. Last evaluated 2025-12-23.

Conditions:
Familial cancer of breast. Also called: Hereditary breast cancer; hereditary breast carcinoma; BREAST CANCER, FAMILIAL. Identifiers: Orphanet 227535, MedGen C0346153, MONDO:0016419, OMIM 114480. Disease mechanism: loss of function.
Breast-ovarian cancer, familial, susceptibility to, 1 (BROVCA1). Also called: OVARIAN CANCER, SUSCEPTIBILITY TO; BRCA1 Hereditary Breast and Ovarian Cancer. Identifiers: Orphanet 145, MedGen C2676676, MONDO:0011450, OMIM 604370. Disease mechanism: loss of function.
Fanconi anemia, complementation group S (FANCS). Identifiers: MedGen C4554406, MONDO:0054748, OMIM 617883.
Hereditary cancer-predisposing syndrome. Also called: Tumor predisposition; Neoplastic Syndromes, Hereditary; Hereditary Cancer Syndrome; Hereditary neoplastic syndrome. Identifiers: Orphanet 140162, MedGen C0027672, MeSH D009386, MONDO:0015356.
Hereditary breast ovarian cancer syndrome. Also called: Hereditary breast and ovarian cancer syndrome (HBOC); Hereditary breast and ovarian cancer syndrome; Hereditary breast and ovarian cancer; Hereditary breast and/or ovarian cancer syndrome; Breast and ovarian cancer; BRCA1- and BRCA2-Associated Hereditary Breast and Ovarian Cancer. Identifiers: Orphanet 145, MedGen C0677776, MeSH D061325, MONDO:0003582. Disease mechanism: loss of function.

Allele frequency attached by ClinVar (database versions not stated): gnomAD exomes 0.00001; TOPMed 0.00001; ExAC 0.00002; gnomAD 0.00006.

Submissions (11):

Labcorp Genetics (formerly Invitae), Labcorp
Classification: Uncertain significance for Hereditary breast ovarian cancer syndrome. Last evaluated: 2025-12-23. Review status: criteria provided, single submitter. Criteria: Invitae Variant Classification Sherloc (09022015). Collection method: clinical testing. Allele origin: germline.
Comment: This sequence change replaces methionine, which is neutral and non-polar, with leucine, which is neutral and non-polar, at codon 1083 of the BRCA1 protein (p.Met1083Leu). This variant is present in population databases (rs397507213, gnomAD 0.003%). This missense change has been observed in individual(s) with breast and/or ovarian cancer (PMID: 18092194, 25186627). ClinVar contains an entry for this variant (Variation ID: 37517). Invitae Evidence Modeling of protein sequence and biophysical properties (such as structural, functional, and spatial information, amino acid conservation, physicochemical variation, residue mobility, and thermodynamic stability) indicates that this missense variant is not expected to disrupt BRCA1 protein function with a negative predictive value of 80%. In summary, the available evidence is currently insufficient to determine the role of this variant in disease. Therefore, it has been classified as a Variant of Uncertain Significance.

Color Diagnostics, LLC DBA Color Health
Classification: Uncertain significance for Hereditary cancer-predisposing syndrome. Last evaluated: 2025-06-11. Review status: criteria provided, single submitter. Criteria: ACMG Guidelines, 2015. Collection method: clinical testing. Allele origin: germline.
Comment: This missense variant replaces methionine with leucine at codon 1083 of the BRCA1 protein. Computational prediction suggests that this variant may not impact protein structure and function. To our knowledge, functional studies have not been reported for this variant. This variant has been reported in one individual affected with breast cancer (PMID: 25186627) and members of a suspected hereditary breast and ovarian cancer family (PMID: 18092194). This variant has been detected in a breast cancer case-control meta-analysis in 1/60466 cases and 1/53461 unaffected individuals (PMID: 33471991Leiden Open Variation Database DB-ID BRCA1_006343). A multifactorial analysis has reported a likelihood ratio for pathogenicity based on personal and family history of 7.381 from log(LR)=0.8681 for three carriers (PMID: 31853058). This variant has been identified in 4/281890 chromosomes in the general population by the Genome Aggregation Database (gnomAD). The available evidence is insufficient to determine the role of this variant in disease conclusively. Therefore, this variant is classified as a Variant of Uncertain Significance.

GeneDx
Classification: Uncertain significance. Last evaluated: 2025-01-07. Review status: criteria provided, single submitter. Criteria: GeneDx Variant Classification Process June 2021. Collection method: clinical testing. Allele origin: germline. Affected: yes.
Comment: In silico analysis indicates that this missense variant does not alter protein structure/function; Not observed at significant frequency in large population cohorts (gnomAD); Also known as 3366A>C; This variant is associated with the following publications: (PMID: 25186627, 18092194, 32377563, 31131967, 33471991, 29884841)

Ambry Genetics
Classification: Uncertain significance for Hereditary cancer-predisposing syndrome. Last evaluated: 2024-04-11. Review status: criteria provided, single submitter. Criteria: Ambry Variant Classification Scheme 2023. Collection method: clinical testing. Allele origin: germline.
Comment: The p.M1083L variant (also known as c.3247A>C), located in coding exon 9 of the BRCA1 gene, results from an A to C substitution at nucleotide position 3247. The methionine at codon 1083 is replaced by leucine, an amino acid with highly similar properties. This variant was observed in an individual with early onset-breast cancer amongst a cohort of 1781 non-Ashkenazi Jewish individuals undergoing BRCA1/2 gene testing based on a personal history of breast cancer (Tung N et al. Cancer, 2015 Jan;121:25-33). This amino acid position is poorly conserved in available vertebrate species. In addition, this alteration is predicted to be tolerated by in silico analysis. Since supporting evidence is limited at this time, the clinical significance of this alteration remains unclear.

All of Us Research Program, National Institutes of Health
Classification: Uncertain significance for Breast-ovarian cancer, familial, susceptibility to, 1. Last evaluated: 2023-08-28. Review status: criteria provided, single submitter. Criteria: ACMG Guidelines, 2015. Collection method: clinical testing. Allele origin: germline. Inheritance: Autosomal dominant inheritance. Observed: 3 variant alleles, 3 heterozygotes.
Comment: This missense variant replaces methionine with leucine at codon 1083 of the BRCA1 protein. Computational prediction suggests that this variant may not impact protein structure and function (internally defined REVEL score threshold <= 0.5, PMID: 27666373). To our knowledge, functional studies have not been reported for this variant. This variant has been reported in one individual affected with breast cancer (PMID: 25186627) and members of a suspected hereditary breast and ovarian cancer family (PMID: 18092194). This variant has been detected in a breast cancer case-control meta-analysis in 1/60466 cases and 1/53461 unaffected individuals (PMID: 33471991; Leiden Open Variation Database DB-ID BRCA1_006343). This variant has been identified in 4/281890 chromosomes in the general population by the Genome Aggregation Database (gnomAD). The available evidence is insufficient to determine the role of this variant in disease conclusively. Therefore, this variant is classified as a Variant of Uncertain Significance.

This study involves interpretation of variants in research participants for the purpose of population health screening. Participant phenotype was not available at the time of variant classification. Additional details can be found in publication PMID: 35346344, PMCID: PMC8962531

University of Washington Department of Laboratory Medicine, University of Washington
Classification: Likely benign for Hereditary cancer-predisposing syndrome. Last evaluated: 2023-03-23. Review status: criteria provided, single submitter. Criteria: Dines et al. (Genet Med. 2020). Collection method: curation. Allele origin: germline.
Comment: Missense variant in a coldspot region where missense variants are very unlikely to be pathogenic (PMID:31911673).

BRCA1 coldspot (exon 11 using historical exon numbering). Reclassification based on statistical prior probability

Department of Pathology and Laboratory Medicine, Sinai Health System
Classification: Uncertain significance for Familial cancer of breast; Breast-ovarian cancer, familial, susceptibility to, 1; Fanconi anemia, complementation group S. Last evaluated: 2022-08-15. Review status: criteria provided, single submitter. Criteria: ACMG Guidelines, 2015. Collection method: clinical testing. Allele origin: germline. Affected: yes.

Women's Health and Genetics/Laboratory Corporation of America, LabCorp
Classification: Uncertain significance. Last evaluated: 2016-10-03. Review status: criteria provided, single submitter. Criteria: LabCorp Variant Classification Summary - May 2015. Collection method: clinical testing. Allele origin: germline.
Comment: Variant summary: The BRCA1 c.3247A>C (p.Met1083Leu) variant involves the alteration of a non-conserved nucleotide. 4/4 in silico tools predict a benign outcome for this variant (SNPs&GO not captured due to low reliability index). Met1083 is not conserved across species and is not located in a known functional domain.This variant was found in 2/121344 control chromosomes at a frequency of 0.0000165, which does not exceed the estimated maximal expected allele frequency of a pathogenic BRCA1 variant (0.0010005). In addition, multiple clinical diagnostic laboratories/reputable databases classified this variant as uncertain significance. Taken together, this variant is classified as VUS.

BRCAlab, Lund University
Classification: Uncertain significance for Breast-ovarian cancer, familial, susceptibility to, 1. Last evaluated: 2020-03-02. Review status: no assertion criteria provided. Collection method: clinical testing. Allele origin: germline. Affected: yes. Not counted in ClinVar's aggregate classification.

Counsyl
Classification: Uncertain significance for Breast-ovarian cancer, familial, susceptibility to, 1. Last evaluated: 2017-02-22. Review status: no assertion criteria provided. Collection method: clinical testing. Allele origin: unknown. Not counted in ClinVar's aggregate classification.

Sharing Clinical Reports Project (SCRP)
Classification: Uncertain significance for Breast-ovarian cancer, familial 1. Last evaluated: 2009-06-16. Review status: no assertion criteria provided. Collection method: clinical testing. Allele origin: germline. Not counted in ClinVar's aggregate classification.

Literature cited by the submitters: PubMed 18092194 (cited by 6 submitters); PubMed 25186627 (cited by 6 submitters); PubMed 31853058 (cited by Color Diagnostics, LLC DBA Color Health); PubMed 33471991 (cited by Color Diagnostics, LLC DBA Color Health and All of Us Research Program, National Institutes of Health).

NM_007294.4(BRCA1):c.3247A>C (p.Met1083Leu)

Genes: BRCA1 (BRCA1 DNA repair associated; minus strand), LOC126862571 (BRD4-independent group 4 enhancer GRCh37_chr17:41243136-41244335; plus strand). Cytogenetic location: 17q21.31.
Variant type: single nucleotide variant.
Coding change: c.3247A>C on transcript NM_007294.4 (MANE Select); coding-DNA position 3247, A replaced by C.
Protein change: p.Met1083Leu; replaces methionine 1083 with leucine.
Molecular consequence: missense variant. On other transcripts: intron variant (137).
Genome position (GRCh38, 1-based): chr17:43,092,284, T>G on the plus strand (A>C on the coding strand, the complement: BRCA1 is on the minus strand). VCF-style: chr17-43092284-T-G. GRCh37 (hg19) VCF-style: chr17-41244301-T-G.
Other names: 3366A>C; c.3247A>C, p.Met1083Leu (NM_001407616.1, NM_001407617.1, NM_001407618.1 and 30 more transcripts); c.3244A>C, p.Met1082Leu (NM_001407627.1, NM_001407628.1, NM_001407629.1 and 22 more transcripts); c.3238A>C, p.Met1080Leu (NM_001407646.1, NM_001407647.1); c.3124A>C, p.Met1042Leu (NM_001407648.1, NM_001407664.1, NM_001407665.1 and 19 more transcripts); c.3121A>C, p.Met1041Leu (NM_001407649.1, NM_001407670.1, NM_001407671.1 and 11 more transcripts); c.3169A>C, p.Met1057Leu (NM_001407653.1, NM_001407654.1, NM_001407655.1 and 4 more transcripts); c.3166A>C, p.Met1056Leu (NM_001407659.1, NM_001407660.1, NM_001407661.1 and 1 more transcripts); and 42 more; short protein forms M1083L, M1036L, M1042L, M1057L, M1080L, M1082L, M971L, M1041L.
Identifiers: ClinVar variation 37517 (VCV000037517.34), dbSNP rs397507213, ClinGen allele CA002098.